The following is an entry in ClinVar:

ClinVar aggregate classification (germline): Uncertain significance (1 of 4 stars; one submission).

Conditions:
Acyl-CoA oxidase deficiency. Also called: STRAIGHT-CHAIN ACYL-CoA OXIDASE DEFICIENCY; Peroxisomal acyl-CoA oxidase deficiency; Pseudoneonatal adrenoleukodystrophy. Identifiers: Orphanet 2971, MedGen C1849678, MONDO:0009919, OMIM 264470. Disease mechanism: loss of function.

Allele frequency attached by ClinVar (database versions not stated): gnomAD exomes below 0.00001 and 0.00001; gnomAD 0.00001; TOPMed 0.00002.

Submission:

Labcorp Genetics (formerly Invitae), Labcorp
Classification: Uncertain significance for Acyl-CoA oxidase deficiency. Last evaluated: 2024-10-07. Review status: criteria provided, single submitter. Criteria: Invitae Variant Classification Sherloc (09022015). Collection method: clinical testing. Allele origin: germline.
Comment: This sequence change falls in intron 1 of the ACOX1 gene. It does not directly change the encoded amino acid sequence of the ACOX1 protein. It affects a nucleotide within the consensus splice site. This variant is present in population databases (no rsID available, gnomAD 0.0009%). This variant has not been reported in the literature in individuals affected with ACOX1-related conditions. ClinVar contains an entry for this variant (Variation ID: 1412281). Variants that disrupt the consensus splice site are a relatively common cause of aberrant splicing (PMID: 17576681, 9536098). Algorithms developed to predict the effect of sequence changes on RNA splicing suggest that this variant is not likely to affect RNA splicing. In summary, the available evidence is currently insufficient to determine the role of this variant in disease. Therefore, it has been classified as a Variant of Uncertain Significance.

Literature cited by the submitters: PubMed 17576681; PubMed 9536098.

NM_004035.7(ACOX1):c.110-3C>T

Gene: ACOX1 (acyl-CoA oxidase 1; minus strand). Cytogenetic location: 17q25.1.
Variant type: single nucleotide variant.
Coding change: c.110-3C>T on transcript NM_004035.7 (MANE Select); 3 bases into the intron before coding-DNA position 110, C replaced by T.
Molecular consequence: intron variant.
Genome position (GRCh38, 1-based): chr17:75,978,696, G>A on the plus strand (C>T on the coding strand, the complement: ACOX1 is on the minus strand). VCF-style: chr17-75978696-G-A. GRCh37 (hg19) VCF-style: chr17-73974777-G-A.
Other names: c.110-3C>T (NM_007292.6); c.-5-3C>T (NM_001185039.2).
Identifiers: ClinVar variation 1412281 (VCV001412281.4), dbSNP rs1026129918, ClinGen allele CA294125467.